The following is an entry in ClinVar:

NM_031206.7(LAS1L):c.178T>A (p.Cys60Ser)

Gene: LAS1L (LAS1 like ribosome biogenesis factor; minus strand). Cytogenetic location: Xq12.
Variant type: single nucleotide variant.
Coding change: c.178T>A on transcript NM_031206.7 (MANE Select); coding-DNA position 178, T replaced by A.
Protein change: p.Cys60Ser; replaces cysteine 60 with serine.
Molecular consequence: missense variant. On other transcripts: 5 prime UTR variant (1), non-coding transcript variant (1).
Genome position (GRCh38, 1-based): chrX:65,534,538, A>T on the plus strand (T>A on the coding strand, the complement: LAS1L is on the minus strand). VCF-style: chrX-65534538-A-T. GRCh37 (hg19) VCF-style: chrX-64754418-A-T.
Other names: c.178T>A, p.Cys60Ser (NM_001170649.2, NM_001170650.2, NM_001375328.1 and 9 more transcripts); c.-619T>A (NM_001375332.1); short protein forms C60S.
Identifiers: ClinVar variation 2429291 (VCV002429291.3), dbSNP rs756870977, ClinGen allele CA10434132.
Genomic context (GRCh38, chrX:65,534,538, plus strand): 5'-ACCTGCTCCTCCACACCGTGATGCGGTTAAGCGCGTACCGCTGCAACTTATGGTCGTCAC[A>T]GAACAGATAAACCGTCACCTGGTCCCACTCGGCCCTGCTGAGCCAGGCGACCACGATGCC-3'
Protein context (NP_112483.1, residues 50-70): EWDQVTVYLF[Cys60Ser]DDHKLQRYAL

ClinVar aggregate classification (germline): Uncertain significance (1 of 4 stars; one submission).

Allele frequency attached by ClinVar (database versions not stated): gnomAD exomes 0.00001; ExAC 0.00002; gnomAD 0.00003; TOPMed 0.00004.
gnomAD v4.1: 9 of 1,207,508 alleles (0.00075%); highest among the groups gnomAD compares: African/African-American, 0.014%; no homozygotes.

Submission:

Women's Health and Genetics/Laboratory Corporation of America, LabCorp
Classification: Uncertain significance. Last evaluated: 2023-01-08. Review status: criteria provided, single submitter. Criteria: LabCorp Variant Classification Summary - May 2015. Collection method: clinical testing. Allele origin: germline.
Comment: Variant summary: LAS1L c.178T>A (p.Cys60Ser) results in a non-conservative amino acid change in the encoded protein sequence. Four of five in-silico tools predict a benign effect of the variant on protein function. The variant allele was found at a frequency of 5.7e-06 in 174592 control chromosomes. The available data on variant occurrences in the general population are insufficient to allow any conclusion about variant significance. To our knowledge, no occurrence of c.178T>A in individuals affected with Intellectual Developmental Disorder, X-Linked, Syndromic, Wilson-Turner Type and no experimental evidence demonstrating its impact on protein function have been reported. No clinical diagnostic laboratories have submitted clinical-significance assessments for this variant to ClinVar after 2014. Based on the evidence outlined above, the variant was classified as uncertain significance.